The following is an entry in ClinVar:

ClinVar aggregate classification (germline): Uncertain significance (1 of 4 stars; one submission).

Conditions:
Distal hereditary motor neuropathy type 2. Identifiers: Orphanet 139525, MedGen C3711384, MeSH C580044, MONDO:0015352.

Allele frequency attached by ClinVar (database versions not stated): gnomAD exomes below 0.00001; gnomAD 0.00001.
gnomAD v4.1: 3 of 1,606,850 alleles (0.00019%); highest among the groups gnomAD compares: African/African-American, 0.004%; no homozygotes.

Submission:

Labcorp Genetics (formerly Invitae), Labcorp
Classification: Uncertain significance for Distal hereditary motor neuropathy type 2. Last evaluated: 2022-07-15. Review status: criteria provided, single submitter. Criteria: Invitae Variant Classification Sherloc (09022015). Collection method: clinical testing. Allele origin: germline.
Comment: This sequence change replaces serine, which is neutral and polar, with asparagine, which is neutral and polar, at codon 233 of the FBXO38 protein (p.Ser233Asn). This variant is not present in population databases (gnomAD no frequency). This variant has not been reported in the literature in individuals affected with FBXO38-related conditions. Algorithms developed to predict the effect of missense changes on protein structure and function are either unavailable or do not agree on the potential impact of this missense change (SIFT: "Deleterious"; PolyPhen-2: "Probably Damaging"; Align-GVGD: "Class C0"). In summary, the available evidence is currently insufficient to determine the role of this variant in disease. Therefore, it has been classified as a Variant of Uncertain Significance.

NM_205836.3(FBXO38):c.698G>A (p.Ser233Asn)

Gene: FBXO38 (F-box protein 38; plus strand). Cytogenetic location: 5q32.
Variant type: single nucleotide variant.
Coding change: c.698G>A on transcript NM_205836.3 (MANE Select); coding-DNA position 698, G replaced by A.
Protein change: p.Ser233Asn; replaces serine 233 with asparagine.
Molecular consequence: missense variant.
Genome position (GRCh38, 1-based): chr5:148,404,790, G>A. VCF-style: chr5-148404790-G-A. GRCh37 (hg19) VCF-style: chr5-147784353-G-A.
Other names: c.698G>A, p.Ser233Asn (NM_001271723.2, NM_030793.5); short protein forms S233N.
Identifiers: ClinVar variation 1918487 (VCV001918487.5), dbSNP rs1752346814, ClinGen allele CA361656025.
Genomic context (GRCh38, chr5:148,404,790, plus strand): 5'-TTTATATGAAGTGGGTAAGACTCACTAAACCACAGCCATTTAAAGACTTCCTTTGTATCA[G>A]CTTAAGAACTTTCGTCATGAGGAACTGTGCAGGTAATGGTACACAATTATGGTGGAATTA-3'
Protein context (NP_995308.1, residues 223-243): PQPFKDFLCI[Ser233Asn]LRTFVMRNCA